The following is an entry in ClinVar:

NM_015459.5(ATL3):c.1034A>T (p.Gln345Leu)

Genes: ATL3 (atlastin GTPase 3; minus strand), LNCROPM (lncRNA regulator of PLAAT3 mediated phospholipid metabolism; plus strand). Cytogenetic location: 11q13.1.
Variant type: single nucleotide variant.
Coding change: c.1034A>T on transcript NM_015459.5 (MANE Select); coding-DNA position 1034, A replaced by T.
Protein change: p.Gln345Leu; replaces glutamine 345 with leucine.
Molecular consequence: missense variant.
Genome position (GRCh38, 1-based): chr11:63,635,535, T>A on the plus strand (A>T on the coding strand, the complement: ATL3 is on the minus strand). VCF-style: chr11-63635535-T-A. GRCh37 (hg19) VCF-style: chr11-63403007-T-A.
Other names: c.980A>T, p.Gln327Leu (NM_001290048.2); short protein forms Q327L, Q345L.
Identifiers: ClinVar variation 1021234 (VCV001021234.10), dbSNP rs201973274, ClinGen allele CA6063620.

ClinVar aggregate classification (germline): Uncertain significance. Review status: criteria provided, multiple submitters, no conflicts (2 of 4 stars). 2 submissions from 2 submitters: Uncertain significance (2). Last evaluated 2023-03-20.

Conditions:
Neuropathy, hereditary sensory, type 1F. Also called: HSN IF; Hereditary sensory neuropathy type IF. Identifiers: Orphanet 36386, MedGen C3810194, MONDO:0014286, OMIM 615632.
Inborn genetic diseases. Identifiers: MedGen C0950123, MeSH D030342.

Allele frequency attached by ClinVar (database versions not stated): gnomAD exomes 0.00001 and 0.00002; ExAC 0.00003.
gnomAD v4.1: 9 of 1,611,616 alleles (0.00056%); highest among the groups gnomAD compares: Non-Finnish European, 0.00068%; 1 homozygote.

Submissions (2):

Labcorp Genetics (formerly Invitae), Labcorp
Classification: Uncertain significance for Neuropathy, hereditary sensory, type 1F. Last evaluated: 2023-03-20. Review status: criteria provided, single submitter. Criteria: Invitae Variant Classification Sherloc (09022015). Collection method: clinical testing. Allele origin: germline.
Comment: This variant has not been reported in the literature in individuals affected with ATL3-related conditions. In summary, the available evidence is currently insufficient to determine the role of this variant in disease. Therefore, it has been classified as a Variant of Uncertain Significance. Algorithms developed to predict the effect of sequence changes on RNA splicing suggest that this variant may disrupt the consensus splice site. An algorithm developed to predict the effect of missense changes on protein structure and function (PolyPhen-2) suggests that this variant is likely to be tolerated. ClinVar contains an entry for this variant (Variation ID: 1021234). This variant is present in population databases (rs201973274, gnomAD 0.004%). This sequence change replaces glutamine, which is neutral and polar, with leucine, which is neutral and non-polar, at codon 345 of the ATL3 protein (p.Gln345Leu).

Ambry Genetics
Classification: Uncertain significance for Inborn genetic diseases. Last evaluated: 2022-03-02. Review status: criteria provided, single submitter. Criteria: Ambry Variant Classification Scheme 2023. Collection method: clinical testing. Allele origin: germline.
Comment: The p.Q345L variant (also known as c.1034A>T), located in coding exon 10 of the ATL3 gene, results from an A to T substitution at nucleotide position 1034. The glutamine at codon 345 is replaced by leucine, an amino acid with dissimilar properties. This amino acid position is well conserved in available vertebrate species. In addition, the in silico prediction for this alteration is inconclusive. Since supporting evidence is limited at this time, the clinical significance of this alteration remains unclear.